The following is an entry in ClinVar:

NM_006015.6(ARID1A):c.139C>T (p.Arg47Cys)

Gene: ARID1A (AT-rich interaction domain 1A; plus strand). Cytogenetic location: 1p36.11.
Variant type: single nucleotide variant.
Coding change: c.139C>T on transcript NM_006015.6 (MANE Select); coding-DNA position 139, C replaced by T.
Protein change: p.Arg47Cys; replaces arginine 47 with cysteine.
Molecular consequence: missense variant.
Genome position (GRCh38, 1-based): chr1:26,696,542, C>T. VCF-style: chr1-26696542-C-T. GRCh37 (hg19) VCF-style: chr1-27023033-C-T.
Other names: c.139C>T, p.Arg47Cys (NM_139135.4); short protein forms R47C.
Identifiers: ClinVar variation 2881872 (VCV002881872.3), dbSNP rs2124740380, ClinGen allele CA339264480.

ClinVar aggregate classification (germline): Uncertain significance (1 of 4 stars; one submission).

Allele frequency attached by ClinVar (database versions not stated): gnomAD exomes below 0.00001.

Submission:

Labcorp Genetics (formerly Invitae), Labcorp
Classification: Uncertain significance. Last evaluated: 2023-09-01. Review status: criteria provided, single submitter. Criteria: Invitae Variant Classification Sherloc (09022015). Collection method: clinical testing. Allele origin: germline.
Comment: This variant has not been reported in the literature in individuals affected with ARID1A-related conditions. In summary, the available evidence is currently insufficient to determine the role of this variant in disease. Therefore, it has been classified as a Variant of Uncertain Significance. Advanced modeling of protein sequence and biophysical properties (such as structural, functional, and spatial information, amino acid conservation, physicochemical variation, residue mobility, and thermodynamic stability) performed at Invitae indicates that this missense variant is not expected to disrupt ARID1A protein function. The frequency data for this variant in the population databases is considered unreliable, as metrics indicate insufficient coverage at this position in the gnomAD database. This sequence change replaces arginine, which is basic and polar, with cysteine, which is neutral and slightly polar, at codon 47 of the ARID1A protein (p.Arg47Cys).